The following is an entry in ClinVar:

ClinVar aggregate classification (germline): Uncertain significance (1 of 4 stars; one submission).

Conditions:
Vissers-Bodmer syndrome. Identifiers: MedGen C5436647, MONDO:0033618, OMIM 619033.
Holoprosencephaly 12 with or without pancreatic agenesis. Identifiers: MedGen C5193131, MONDO:0032787, OMIM 618500.

Submission:

Juno Genomics, Hangzhou Juno Genomics, Inc
Classification: Uncertain significance for Vissers-Bodmer syndrome; Holoprosencephaly 12 with or without pancreatic agenesis. Review status: criteria provided, single submitter. Criteria: ACMG Guidelines, 2015. Collection method: clinical testing. Allele origin: germline.
Comment: Absent from controls (or at extremely low frequency if recessive) in Genome Aggregation Database.;Missense variant in a gene that has a low rate of benign missense variation.;Multiple lines of computational evidence support a deleterious effect on the gene or gene product.

NM_016284.5(CNOT1):c.5207T>G (p.Leu1736Trp)

Gene: CNOT1 (CCR4-NOT transcription complex subunit 1; minus strand). Cytogenetic location: 16q21.
Variant type: single nucleotide variant.
Coding change: c.5207T>G on transcript NM_016284.5 (MANE Select); coding-DNA position 5207, T replaced by G.
Protein change: p.Leu1736Trp; replaces leucine 1736 with tryptophan.
Molecular consequence: missense variant. On other transcripts: non-coding transcript variant (1).
Genome position (GRCh38, 1-based): chr16:58,538,195, A>C on the plus strand (T>G on the coding strand, the complement: CNOT1 is on the minus strand). VCF-style: chr16-58538195-A-C. GRCh37 (hg19) VCF-style: chr16-58572099-A-C.
Other names: c.5192T>G, p.Leu1731Trp (NM_001265612.2); short protein forms L1731W, L1736W.
Identifiers: ClinVar variation 5018851 (VCV005018851.2).
Genomic context (GRCh38, chr16:58,538,195, plus strand): 5'-GTGCAAGTAAATTCCTTCCATACCTGCGCTAGGTGAAGATCATACTGCTGCATATTAACC[A>C]AATGATTGCGAATTAGCAGCTCCACAGCCTCCACATTATATTTATATTCATCTCGACATT-3'
Protein context (NP_057368.3, residues 1726-1746): EAVELLIRNH[Leu1736Trp]VNMQQYDLHL